The following is an entry in ClinVar:

NM_021619.3(PRDM12):c.16C>A (p.Leu6Ile)

Gene: PRDM12 (PR/SET domain 12; plus strand). Cytogenetic location: 9q34.12.
Variant type: single nucleotide variant.
Coding change: c.16C>A on transcript NM_021619.3 (MANE Select); coding-DNA position 16, C replaced by A.
Protein change: p.Leu6Ile; replaces leucine 6 with isoleucine.
Molecular consequence: missense variant.
Genome position (GRCh38, 1-based): chr9:130,664,669, C>A. VCF-style: chr9-130664669-C-A. GRCh37 (hg19) VCF-style: chr9-133540056-C-A.
Other names: c.16C>A (NM_021619.2); short protein forms L6I.
Identifiers: ClinVar variation 3688588 (VCV003688588.4).
Genomic context (GRCh38, chr9:130,664,669, plus strand): 5'-CGTCGGCCCGGCCGTCCCCCGGCGCCGGGGAGCTCCGGGCCGCCCATGATGGGCTCCGTG[C>A]TCCCGGCTGAGGCCCTGGTGCTCAAGACCGGGCTGAAGGCGCCGGGACTGGCGCTGGCCG-3'
Protein context (NP_067632.2, residues 1-16): MMGSV[Leu6Ile]PAEALVLKTG

ClinVar aggregate classification (germline): Uncertain significance. Review status: criteria provided, multiple submitters, no conflicts (2 of 4 stars). 3 submissions from 3 submitters: Uncertain significance (3). Last evaluated 2025-10-01.

Conditions:
Congenital insensitivity to pain-hypohidrosis syndrome. Also called: HSAN VIII; Neuropathy, hereditary sensory and autonomic, type VIII. Identifiers: Orphanet 478664, MedGen C4225308, MONDO:0014662, OMIM 616488.
Inborn genetic diseases. Identifiers: MedGen C0950123, MeSH D030342.

Submissions (3):

Ambry Genetics
Classification: Uncertain significance for Inborn genetic diseases. Last evaluated: 2025-10-01. Review status: criteria provided, single submitter. Criteria: Ambry Variant Classification Scheme 2023. Collection method: clinical testing. Allele origin: germline.

GeneDx
Classification: Uncertain significance. Last evaluated: 2025-08-07. Review status: criteria provided, single submitter. Criteria: GeneDx Variant Classification Process June 2021. Collection method: clinical testing. Allele origin: germline. Affected: yes.
Comment: In silico analysis suggests that this missense variant does not alter protein structure/function; Has not been previously published as pathogenic or benign to our knowledge

Labcorp Genetics (formerly Invitae), Labcorp
Classification: Uncertain significance for Congenital insensitivity to pain-hypohidrosis syndrome. Last evaluated: 2024-05-12. Review status: criteria provided, single submitter. Criteria: Invitae Variant Classification Sherloc (09022015). Collection method: clinical testing. Allele origin: germline.
Comment: This sequence change replaces leucine, which is neutral and non-polar, with isoleucine, which is neutral and non-polar, at codon 6 of the PRDM12 protein (p.Leu6Ile). This variant is present in population databases (rs570756044, gnomAD 0.04%). This variant has not been reported in the literature in individuals affected with PRDM12-related conditions. An algorithm developed to predict the effect of missense changes on protein structure and function (PolyPhen-2) suggests that this variant is likely to be disruptive. In summary, the available evidence is currently insufficient to determine the role of this variant in disease. Therefore, it has been classified as a Variant of Uncertain Significance.